The following is an entry in ClinVar:

NM_003896.4(ST3GAL5):c.1093C>G (p.Leu365Val)

Gene: ST3GAL5 (ST3 beta-galactoside alpha-2,3-sialyltransferase 5; minus strand). Cytogenetic location: 2p11.2.
Variant type: single nucleotide variant.
Coding change: c.1093C>G on transcript NM_003896.4 (MANE Select); coding-DNA position 1093, C replaced by G.
Protein change: p.Leu365Val; replaces leucine 365 with valine.
Molecular consequence: missense variant.
Genome position (GRCh38, 1-based): chr2:85,840,308, G>C on the plus strand (C>G on the coding strand, the complement: ST3GAL5 is on the minus strand). VCF-style: chr2-85840308-G-C. GRCh37 (hg19) VCF-style: chr2-86067431-G-C.
Other names: c.1024C>G, p.Leu342Val (NM_001042437.2); c.709C>G, p.Leu237Val (NM_001354223.2, NM_001354224.2, NM_001354226.2 and 3 more transcripts); c.1009C>G, p.Leu337Val (NM_001354227.2, NM_001354229.2, NM_001354238.1); c.370C>G, p.Leu124Val (NM_001354247.1); c.934C>G, p.Leu312Val (NM_001363847.1); short protein forms L237V, L337V, L365V, L312V, L124V, L342V.
Identifiers: ClinVar variation 644446 (VCV000644446.11), dbSNP rs775647232, ClinGen allele CA1744886.

ClinVar aggregate classification (germline): Uncertain significance (1 of 4 stars; one submission).

Conditions:
GM3 synthase deficiency (SPDRS). Also called: SALT AND PEPPER MENTAL RETARDATION SYNDROME; SALT AND PEPPER DEVELOPMENTAL REGRESSION SYNDROME; AMISH INFANTILE EPILEPSY SYNDROME. Identifiers: Orphanet 171714, Orphanet 370933, MedGen C1836824, MONDO:0018274, OMIM 609056.

Allele frequency attached by ClinVar (database versions not stated): TOPMed 0.00001; ExAC 0.00002; gnomAD exomes 0.00002.
gnomAD v4.1: 8 of 1,613,976 alleles (0.0005%); highest among the groups gnomAD compares: Admixed American, 0.013%; no homozygotes.

Submission:

Labcorp Genetics (formerly Invitae), Labcorp
Classification: Uncertain significance for GM3 synthase deficiency. Last evaluated: 2026-02-02. Review status: criteria provided, single submitter. Criteria: Invitae Variant Classification Sherloc (09022015). Collection method: clinical testing. Allele origin: germline.
Comment: This sequence change replaces leucine, which is neutral and non-polar, with valine, which is neutral and non-polar, at codon 365 of the ST3GAL5 protein (p.Leu365Val). This variant is present in population databases (rs775647232, gnomAD 0.01%). This variant has not been reported in the literature in individuals affected with ST3GAL5-related conditions. ClinVar contains an entry for this variant (Variation ID: 644446). Invitae Evidence Modeling of protein sequence and biophysical properties (such as structural, functional, and spatial information, amino acid conservation, physicochemical variation, residue mobility, and thermodynamic stability) has been performed for this missense variant. However, the output from this modeling did not meet the statistical confidence thresholds required to predict the impact of this variant on ST3GAL5 protein function. In summary, the available evidence is currently insufficient to determine the role of this variant in disease. Therefore, it has been classified as a Variant of Uncertain Significance.